The following is an entry in ClinVar:

NM_000360.4(TH):c.545_546del (p.Lys182fs)

Gene: TH (tyrosine hydroxylase; minus strand). Cytogenetic location: 11p15.5.
Variant type: Deletion.
Coding change: c.545_546del on transcript NM_000360.4 (MANE Select); coding-DNA positions 545 to 546, 2 bases deleted (AG; older notation c.545_546delAG).
Protein change: p.Lys182fs; shifts the reading frame from lysine 182.
Molecular consequence: frameshift variant.
Genome position (GRCh38, 1-based): chr11:2,168,121-2,168,122, CT deleted on the plus strand (AG on the coding strand, the reverse complement: TH is on the minus strand). VCF-style (leftmost placement, unchanged base first): chr11-2168120-ACT-A. GRCh37 (hg19) VCF-style: chr11-2189350-ACT-A.
Other names: c.638_639del, p.Lys213fs (NM_199292.3); c.626_627del, p.Lys209fs (NM_199293.3); short protein forms K209fs, K182fs, K213fs.
Identifiers: ClinVar variation 2858412 (VCV002858412.3), dbSNP rs2495817531, ClinGen allele CA2739276097.
Genomic context (GRCh38, chr11:2,168,120, plus strand): 5'-AGGAGGCCTGAGTGAGGGGCGCACCACTCACCGGGTGGTCCAAGTCCAGGTCAGGGTCGA[ACT>A]TGGTGACCAGGTGATGACACTTGTCCAGCTCTGACACTTTTCTTGGGAACCAGGGGACTT-3'

ClinVar aggregate classification (germline): Pathogenic (1 of 4 stars; one submission).

Conditions:
TH-deficient dopa-responsive dystonia. Also called: Tyrosine Hydroxylase-Deficient Dopa-Responsive Dystonia; Segawa syndrome, autosomal recessive; DYT-TH. Identifiers: Orphanet 101150, MedGen C2673535, MONDO:0011551, OMIM 605407.

Submission:

Labcorp Genetics (formerly Invitae), Labcorp
Classification: Pathogenic for TH-deficient dopa-responsive dystonia. Last evaluated: 2024-01-12. Review status: criteria provided, single submitter. Criteria: Invitae Variant Classification Sherloc (09022015). Collection method: clinical testing. Allele origin: germline.
Comment: This sequence change creates a premature translational stop signal (p.Lys213Ilefs*4) in the TH gene. It is expected to result in an absent or disrupted protein product. Loss-of-function variants in TH are known to be pathogenic (PMID: 22264700, 24753243). This variant is not present in population databases (gnomAD no frequency). This variant has not been reported in the literature in individuals affected with TH-related conditions. For these reasons, this variant has been classified as Pathogenic.

Literature cited by the submitters: PubMed 22264700; PubMed 24753243.